The following is an entry in ClinVar:

ClinVar aggregate classification (germline): Uncertain significance (1 of 4 stars; one submission).

Conditions:
MC3R-related disorder. Also called: MC3R-related condition.

Submission:

PreventionGenetics, part of Exact Sciences
Classification: Uncertain significance for MC3R-related condition. Last evaluated: 2024-11-26. Review status: criteria provided, single submitter. Criteria: ACMG Guidelines, 2015. Collection method: clinical testing. Allele origin: germline.
Comment: The MC3R c.622G>A variant is predicted to result in the amino acid substitution p.Val208Met. To our knowledge, this variant has not been reported in the literature. This variant is reported in 0.030% of alleles in individuals of Ashkenazi Jewish descent in gnomAD. At this time, the clinical significance of this variant is uncertain due to the absence of conclusive functional and genetic evidence.

NM_019888.3(MC3R):c.622G>A (p.Val208Met)

Gene: MC3R (melanocortin 3 receptor; plus strand). Cytogenetic location: 20q13.2.
Variant type: single nucleotide variant.
Coding change: c.622G>A on transcript NM_019888.3 (MANE Select); coding-DNA position 622, G replaced by A.
Protein change: p.Val208Met; replaces valine 208 with methionine.
Molecular consequence: missense variant.
Genome position (GRCh38, 1-based): chr20:56,249,465, G>A. VCF-style: chr20-56249465-G-A. GRCh37 (hg19) VCF-style: chr20-54824521-G-A.
Other names: short protein forms V208M.
Identifiers: ClinVar variation 4978654 (VCV004978654.1).